The following is an entry in ClinVar:

ClinVar aggregate classification (germline): Uncertain significance. Review status: criteria provided, multiple submitters, no conflicts (2 of 4 stars). 2 submissions from 2 submitters: Uncertain significance (2). Last evaluated 2024-03-05.

Allele frequency attached by ClinVar (database versions not stated): TOPMed below 0.00001; gnomAD 0.00001; gnomAD exomes 0.00002 and 0.00003; ExAC 0.00003; 1000 Genomes Project 30x 0.00016; 1000 Genomes Project 0.00020.
gnomAD v4.1: 36 of 1,613,576 alleles (0.0022%); highest among the groups gnomAD compares: South Asian, 0.04%; no homozygotes.

Submissions (2):

GeneDx
Classification: Uncertain significance. Last evaluated: 2024-03-05. Review status: criteria provided, single submitter. Criteria: GeneDx Variant Classification Process June 2021. Collection method: clinical testing. Allele origin: germline. Affected: yes.
Comment: In silico analysis supports that this missense variant does not alter protein structure/function; Has not been previously published as pathogenic or benign to our knowledge

Labcorp Genetics (formerly Invitae), Labcorp
Classification: Uncertain significance. Last evaluated: 2021-11-05. Review status: criteria provided, single submitter. Criteria: Invitae Variant Classification Sherloc (09022015). Collection method: clinical testing. Allele origin: germline.
Comment: This variant is present in population databases (rs576924704, gnomAD 0.03%). This variant has not been reported in the literature in individuals affected with MYO6-related conditions. Algorithms developed to predict the effect of missense changes on protein structure and function are either unavailable or do not agree on the potential impact of this missense change (SIFT: "Tolerated"; PolyPhen-2: "Not Available"; Align-GVGD: "Class C0"). In summary, the available evidence is currently insufficient to determine the role of this variant in disease. Therefore, it has been classified as a Variant of Uncertain Significance. This sequence change replaces glutamine, which is neutral and polar, with arginine, which is basic and polar, at codon 47 of the MYO6 protein (p.Gln47Arg).

NM_004999.4(MYO6):c.140A>G (p.Gln47Arg)

Gene: MYO6 (myosin VI; plus strand). Cytogenetic location: 6q14.1.
Variant type: single nucleotide variant.
Coding change: c.140A>G on transcript NM_004999.4 (MANE Select); coding-DNA position 140, A replaced by G.
Protein change: p.Gln47Arg; replaces glutamine 47 with arginine.
Molecular consequence: missense variant. On other transcripts: non-coding transcript variant (2).
Genome position (GRCh38, 1-based): chr6:75,822,804, A>G. VCF-style: chr6-75822804-A-G. GRCh37 (hg19) VCF-style: chr6-76532521-A-G.
Other names: c.140A>G (NM_004999.3); c.140A>G, p.Gln47Arg (NM_001300899.2, NM_001368136.1, NM_001368137.1 and 5 more transcripts); short protein forms Q47R.
Identifiers: ClinVar variation 1524704 (VCV001524704.7), dbSNP rs576924704, ClinGen allele CA3896737.